The following is an entry in ClinVar:

ClinVar aggregate classification (germline): Pathogenic. Review status: reviewed by expert panel (3 of 4 stars). 7 submissions from 7 submitters: Pathogenic (1). 6 of the submissions do not count toward it. Last evaluated 2018-09-10.

Conditions:
Autosomal recessive nonsyndromic hearing loss 4 (DFNB4). Also called: Nonsyndromic enlarged vestibular aqueduct (NSEVA); Deafness, autosomal recessive 4; Enlarged vestibular aqueduct, digenic; Deafness, autosomal recessive 4, with enlarged vestibular aqueduct; NEUROSENSORY NONSYNDROMIC RECESSIVE DEAFNESS 4; FOXI1-Related Pendred Syndrome. Identifiers: Orphanet 90636, MedGen C3538946, MONDO:0010933, OMIM 600791.
Pendred syndrome (PDS). Also called: DEAFNESS WITH GOITER; GOITER-DEAFNESS SYNDROME; HYPOTHYROIDISM, CONGENITAL, DUE TO DYSHORMONOGENESIS, 2B; Pendred's syndrome; Pendred Syndrome (PDS); THYROID DYSHORMONOGENESIS 2B. Identifiers: Orphanet 705, MedGen C0271829, MONDO:0010134, OMIM 274600.

Submissions (7):

ClinGen Hearing Loss Variant Curation Expert Panel
Classification: Pathogenic for Pendred syndrome. Last evaluated: 2018-09-10. Review status: reviewed by expert panel. Criteria: ClinGen HL ACMG Specifications v1. Collection method: curation. Allele origin: germline. Inheritance: Autosomal recessive inheritance.
Comment: The p.Ile124Tyrfs variant in SLC26A4 is predicted to cause a premature stop codon in biologically-relevant-exon 4/21 that leads to a truncated or absent protein in a gene in which loss-of-function is an established mechanism (PVS1). The allele frequency of the p.Ile124fs variant is in 0.003% (1/30782) of South Asian chromosomes by the Genome Aggregation Database, which is a low enough frequency to award PM2 based on the thresholds defined by the ClinGen Hearing Loss Expert Panel for autosomal recessive hearing loss (PM2). At least one patient with the variant displayed features of enlarged vestibular aqueduct and Mondini malformation which are consistent with Pendred syndrome (PP4; PMID:15679828). This variant has been detected in 2 patients with hearing loss in trans with suspected pathogenic variants (PM3_P, PMID:15679828). In summary, this variant meets criteria to be classified as pathogenic for autosomal recessive Pendred syndrome based on the ACMG/AMP criteria applied: PVS1, PM2, PP4, PM3_P.

Dasa
Classification: Pathogenic. Last evaluated: 2025-11-12. Review status: criteria provided, single submitter. Criteria: DASA Assertion Criteria. Collection method: clinical testing. Allele origin: germline. Not counted in ClinVar's aggregate classification.
Comment: NM_000441.2(SLC26A4):c.365dup (p.Ile124Tyrfs*58) introduces a premature termination codon predicted to result in loss of normal protein function. Loss-of-function is an established mechanism of disease for this gene. This variant has been reported in an affected individual with related phenotype in a genotype context consistent with recessive disease (PMID: 15679828). The variant is present at low frequency in population datasets. Based on the available data, this variant is classified as pathogenic.

Natera, Inc.
Classification: Pathogenic for Pendred syndrome. Last evaluated: 2025-09-09. Review status: criteria provided, single submitter. Criteria: Natera Variant Classification Schema (03/2026). Collection method: clinical testing. Allele origin: germline. Not counted in ClinVar's aggregate classification.
Comment: The c.365dupT variant in SLC26A4 is a frameshift variant predicted to shift the reading frame beginning at codon 124 and leads to a stop codon 58 codons downstream. This variant is expected to result in nonsense mediated decay, truncation, or a dysfunctional protein product. This variant is rare in the general population with a frequency below the threshold expected for the associated phenotype(s). This variant has been observed in one or more individuals affected with the associated recessive disease, as either homozygous or compound heterozygous with a second variant (PMID: 15679828). Given the available evidence, this variant is classified as Pathogenic.

Baylor Genetics
Classification: Pathogenic for Autosomal recessive nonsyndromic hearing loss 4. Last evaluated: 2024-03-15. Review status: criteria provided, single submitter. Criteria: ACMG Guidelines, 2015. Collection method: clinical testing. Allele origin: unknown. Not counted in ClinVar's aggregate classification.

Labcorp Genetics (formerly Invitae), Labcorp
Classification: Pathogenic. Last evaluated: 2023-09-01. Review status: criteria provided, single submitter. Criteria: Invitae Variant Classification Sherloc (09022015). Collection method: clinical testing. Allele origin: germline. Not counted in ClinVar's aggregate classification.
Comment: For these reasons, this variant has been classified as Pathogenic. ClinVar contains an entry for this variant (Variation ID: 189148). This premature translational stop signal has been observed in individual(s) with enlarged vestibular aqueduct (PMID: 15679828, 24051746). This variant is present in population databases (rs773738163, gnomAD 0.003%). This sequence change creates a premature translational stop signal (p.Ile124Tyrfs*58) in the SLC26A4 gene. It is expected to result in an absent or disrupted protein product. Loss-of-function variants in SLC26A4 are known to be pathogenic (PMID: 16283880, 25394566, 26252218, 26445815).

CeGaT Center for Human Genetics Tuebingen
Classification: Likely pathogenic. Last evaluated: 2016-09-01. Review status: criteria provided, single submitter. Criteria: CeGaT Center For Human Genetics Tuebingen Variant Classification Criteria Version 2. Collection method: clinical testing. Allele origin: germline. Affected: yes. Observed: 1 variant allele. Not counted in ClinVar's aggregate classification.

Counsyl
Classification: Likely pathogenic for Pendred's syndrome. Last evaluated: 2015-01-22. Review status: no assertion criteria provided. Collection method: literature only. Allele origin: unknown. Inheritance: Autosomal recessive inheritance. Not counted in ClinVar's aggregate classification.

Literature cited by the submitters: PubMed 15679828 (cited by 5 submitters); PubMed 24051746 (cited by Labcorp Genetics (formerly Invitae), Labcorp and Counsyl); PubMed 16283880 (cited by Labcorp Genetics (formerly Invitae), Labcorp); PubMed 25394566 (cited by Labcorp Genetics (formerly Invitae), Labcorp); PubMed 26252218 (cited by Labcorp Genetics (formerly Invitae), Labcorp); PubMed 26445815 (cited by Labcorp Genetics (formerly Invitae), Labcorp).

NM_000441.2(SLC26A4):c.365dup (p.Ile124fs)

Gene: SLC26A4 (solute carrier family 26 member 4; plus strand). Cytogenetic location: 7q22.3.
Variant type: Duplication.
Coding change: c.365dup on transcript NM_000441.2 (MANE Select); coding-DNA position 365, one base duplicated (T; older notation c.365dupT).
Protein change: p.Ile124fs; shifts the reading frame from isoleucine 124.
Molecular consequence: frameshift variant.
Genome position (GRCh38, 1-based): chr7:107,672,198, T duplicated; the last of 6 consecutive T bases (chr7:107,672,193-107,672,198); duplicating any one gives the same sequence. VCF-style (leftmost placement, unchanged base first): chr7-107672192-C-CT. GRCh37 (hg19) VCF-style: chr7-107312637-C-CT.
Other names: NM_000441.1(SLC26A4):c.365dupT; c.365dupT (NM_000441.2, NM_000441.1); short protein forms I124fs.
Identifiers: ClinVar variation 189148 (VCV000189148.58), dbSNP rs786204730, ClinGen allele CA274422.